The following is an entry in ClinVar:

ClinVar aggregate classification (germline): Benign/Likely benign. Review status: criteria provided, multiple submitters, no conflicts (2 of 4 stars). 3 submissions from 3 submitters: Benign (1); Likely benign (2). Last evaluated 2025-10-14.

Conditions:
Inborn genetic diseases. Identifiers: MedGen C0950123, MeSH D030342.
RAI1-related disorder. Also called: RAI1-related condition.

Allele frequency attached by ClinVar (database versions not stated): ExAC 0.00001; gnomAD exomes 0.00001 and 0.00002; TOPMed 0.00001.

Submissions (3):

PreventionGenetics, part of Exact Sciences
Classification: Likely benign for RAI1-related condition. Last evaluated: 2025-10-14. Review status: criteria provided, single submitter. Criteria: ACMG Guidelines, 2015. Collection method: clinical testing. Allele origin: germline.
Comment: This variant is classified as likely benign based on ACMG/AMP sequence variant interpretation guidelines (Richards et al. 2015 PMID: 25741868, with internal and published modifications).

Ambry Genetics
Classification: Likely benign for Inborn genetic diseases. Last evaluated: 2025-06-03. Review status: criteria provided, single submitter. Criteria: Ambry Variant Classification Scheme 2023. Collection method: clinical testing. Allele origin: germline.

Labcorp Genetics (formerly Invitae), Labcorp
Classification: Benign. Last evaluated: 2022-08-22. Review status: criteria provided, single submitter. Criteria: Invitae Variant Classification Sherloc (09022015). Collection method: clinical testing. Allele origin: germline.

NM_030665.4(RAI1):c.4237A>G (p.Met1413Val)

Gene: RAI1 (retinoic acid induced 1; plus strand). Cytogenetic location: 17p11.2.
Variant type: single nucleotide variant.
Coding change: c.4237A>G on transcript NM_030665.4 (MANE Select); coding-DNA position 4237, A replaced by G.
Protein change: p.Met1413Val; replaces methionine 1413 with valine.
Molecular consequence: missense variant.
Genome position (GRCh38, 1-based): chr17:17,797,185, A>G. VCF-style: chr17-17797185-A-G. GRCh37 (hg19) VCF-style: chr17-17700499-A-G.
Other names: c.4237A>G (NM_030665.3); short protein forms M1413V.
Identifiers: ClinVar variation 1449960 (VCV001449960.8), dbSNP rs746444277, ClinGen allele CA8418911.